The following is an entry in ClinVar:

NM_000070.3(CAPN3):c.670A>T (p.Thr224Ser)

Gene: CAPN3 (calpain 3; plus strand). Cytogenetic location: 15q15.1.
Variant type: single nucleotide variant.
Coding change: c.670A>T on transcript NM_000070.3 (MANE Select); coding-DNA position 670, A replaced by T.
Protein change: p.Thr224Ser; replaces threonine 224 with serine.
Molecular consequence: missense variant.
Genome position (GRCh38, 1-based): chr15:42,388,965, A>T. VCF-style: chr15-42388965-A-T. GRCh37 (hg19) VCF-style: chr15-42681163-A-T.
Other names: c.670A>T, p.Thr224Ser (NM_024344.2, NM_173087.2); short protein forms T224S.
Identifiers: ClinVar variation 1389993 (VCV001389993.6), dbSNP rs2141167741, ClinGen allele CA391998121.

ClinVar aggregate classification (germline): Uncertain significance (1 of 4 stars; one submission).

Conditions:
Autosomal recessive limb-girdle muscular dystrophy type 2A (LGMDR1). Also called: Calpainopathy; MUSCULAR DYSTROPHY, PELVOFEMORAL; Limb-girdle muscular dystrophy, type 2A; LEYDEN-MOEBIUS MUSCULAR DYSTROPHY; Muscular dystrophy, limb-girdle, type 2A, Amish. Identifiers: Orphanet 267, MedGen C1869123, MONDO:0009675, OMIM 253600. Disease mechanism: loss of function.

Submission:

Labcorp Genetics (formerly Invitae), Labcorp
Classification: Uncertain significance for Autosomal recessive limb-girdle muscular dystrophy type 2A. Last evaluated: 2024-02-24. Review status: criteria provided, single submitter. Criteria: Invitae Variant Classification Sherloc (09022015). Collection method: clinical testing. Allele origin: germline.
Comment: This sequence change replaces threonine, which is neutral and polar, with serine, which is neutral and polar, at codon 224 of the CAPN3 protein (p.Thr224Ser). This variant is not present in population databases (gnomAD no frequency). This variant has not been reported in the literature in individuals affected with CAPN3-related conditions. ClinVar contains an entry for this variant (Variation ID: 1389993). Advanced modeling of protein sequence and biophysical properties (such as structural, functional, and spatial information, amino acid conservation, physicochemical variation, residue mobility, and thermodynamic stability) performed at Invitae indicates that this missense variant is not expected to disrupt CAPN3 protein function with a negative predictive value of 80%. In summary, the available evidence is currently insufficient to determine the role of this variant in disease. Therefore, it has been classified as a Variant of Uncertain Significance.